The following is an entry in ClinVar:

NM_004036.5(ADCY3):c.1805+3A>G

Gene: ADCY3 (adenylate cyclase 3; minus strand). Cytogenetic location: 2p23.3.
Variant type: single nucleotide variant.
Coding change: c.1805+3A>G on transcript NM_004036.5 (MANE Select); 3 bases into the intron after coding-DNA position 1805, A replaced by G.
Molecular consequence: intron variant.
Genome position (GRCh38, 1-based): chr2:24,834,791, T>C on the plus strand (A>G on the coding strand, the complement: ADCY3 is on the minus strand). VCF-style: chr2-24834791-T-C. GRCh37 (hg19) VCF-style: chr2-25057660-T-C.
Other names: c.1805+3A>G (NM_001377130.1, NM_001377129.1, NM_001320613.2 and 1 more transcripts); c.1871+3A>G (NM_001377128.1); c.1082+3A>G (NM_001377131.1).
Identifiers: ClinVar variation 5000123 (VCV005000123.1).
Genomic context (GRCh38, chr2:24,834,791, plus strand): 5'-CCTGAATCCCTTGTCAGGGCCCGGGAGGAGTGGTGGGCCTGGACGCTTCCGGGTGGCGCT[T>C]ACACTTGGGCGGACTCTCGCTCAAGCAGGGCCTCGTTGAGCAGCTGGTTGAGCTCGTGCT-3'

ClinVar aggregate classification (germline): Uncertain significance (1 of 4 stars; one submission).

Conditions:
ADCY3-related disorder. Also called: ADCY3-related condition.

Submission:

PreventionGenetics, part of Exact Sciences
Classification: Uncertain significance for ADCY3-related condition. Last evaluated: 2026-08-10. Review status: criteria provided, single submitter. Criteria: ACMG Guidelines, 2015. Collection method: clinical testing. Allele origin: germline.
Comment: The ADCY3 c.1805+3A>G variant is predicted to interfere with splicing. To our knowledge, this variant has not been reported in the literature or in a large population database (gnomAD), indicating this variant is rare. At this time, the clinical significance of this variant is uncertain due to the absence of conclusive functional and genetic evidence.